The following is an entry in ClinVar:

ClinVar aggregate classification (germline): Uncertain significance (1 of 4 stars; one submission).

Conditions:
Familial adenomatous polyposis 1 (FAP1). Also called: FAMILIAL ADENOMATOUS POLYPOSIS 1, ATTENUATED; POLYPOSIS, ADENOMATOUS INTESTINAL. Identifiers: MedGen C2713442, MONDO:0021056, OMIM 175100. Disease mechanism: loss of function.

Submission:

Labcorp Genetics (formerly Invitae), Labcorp
Classification: Uncertain significance for Familial adenomatous polyposis 1. Last evaluated: 2021-08-11. Review status: criteria provided, single submitter. Criteria: Invitae Variant Classification Sherloc (09022015). Collection method: clinical testing. Allele origin: germline.
Comment: In summary, the available evidence is currently insufficient to determine the role of this variant in disease. Therefore, it has been classified as a Variant of Uncertain Significance. Algorithms developed to predict the effect of missense changes on protein structure and function are either unavailable or do not agree on the potential impact of this missense change (SIFT: "Deleterious"; PolyPhen-2: "Benign"; Align-GVGD: "Class C0"). This variant has not been reported in the literature in individuals affected with APC-related conditions. This variant is not present in population databases (ExAC no frequency). This sequence change replaces methionine with leucine at codon 347 of the APC protein (p.Met347Leu). The methionine residue is highly conserved and there is a small physicochemical difference between methionine and leucine.

NM_000038.6(APC):c.1039A>C (p.Met347Leu)

Gene: APC (APC regulator of Wnt signaling pathway; plus strand). Cytogenetic location: 5q22.2.
Variant type: single nucleotide variant.
Coding change: c.1039A>C on transcript NM_000038.6 (MANE Select); coding-DNA position 1039, A replaced by C.
Protein change: p.Met347Leu; replaces methionine 347 with leucine.
Molecular consequence: missense variant. On other transcripts: intron variant (4).
Genome position (GRCh38, 1-based): chr5:112,819,071, A>C. VCF-style: chr5-112819071-A-C. GRCh37 (hg19) VCF-style: chr5-112154768-A-C.
Other names: c.1039A>C, p.Met347Leu (NM_001127510.3, NM_001354895.2, NM_001354896.2); c.985A>C, p.Met329Leu (NM_001127511.3); c.1069A>C, p.Met357Leu (NM_001354897.2); c.964A>C, p.Met322Leu (NM_001354898.2); c.955A>C, p.Met319Leu (NM_001354899.2); c.862A>C, p.Met288Leu (NM_001354900.2, NM_001354901.2); c.190A>C, p.Met64Leu (NM_001354906.2); c.964-198A>C (NM_001354902.2); and 3 more; short protein forms M322L, M329L, M357L, M347L, M288L, M64L, M319L.
Identifiers: ClinVar variation 1525854 (VCV001525854.6), dbSNP rs902593216, ClinGen allele CA16023585.